The following is an entry in ClinVar:

ClinVar aggregate classification (germline): Pathogenic (1 of 4 stars; one submission).

Conditions:
Cerebral creatine deficiency syndrome. Also called: Creatine deficiency syndromes. Identifiers: Orphanet 79172, MedGen C5244016, MONDO:0000456.

Submission:

Labcorp Genetics (formerly Invitae), Labcorp
Classification: Pathogenic for Cerebral creatine deficiency syndrome. Last evaluated: 2025-06-04. Review status: criteria provided, single submitter. Criteria: Invitae Variant Classification Sherloc (09022015). Collection method: clinical testing. Allele origin: germline.
Comment: This variant, c.503_517del, results in the deletion of 5 amino acid(s) of the GAMT protein (p.Tyr168_Thr172del), but otherwise preserves the integrity of the reading frame. This variant is not present in population databases (gnomAD no frequency). This variant has not been reported in the literature in individuals affected with GAMT-related conditions. ClinVar contains an entry for this variant (Variation ID: 2743645). This variant disrupts a region of the GAMT protein in which other variant(s) (p.Cys169Arg) have been determined to be pathogenic (PMID: 23660394; internal data). This suggests that this is a clinically significant region of the protein, and that variants that disrupt it are likely to be disease-causing. For these reasons, this variant has been classified as Pathogenic.

Literature cited by the submitters: PubMed 23660394.

NM_000156.6(GAMT):c.503_517del (p.Tyr168_Thr172del)

Gene: GAMT (guanidinoacetate N-methyltransferase; minus strand). Cytogenetic location: 19p13.3.
Variant type: Deletion.
Coding change: c.503_517del on transcript NM_000156.6 (MANE Select); coding-DNA positions 503 to 517, 15 bases deleted (ACTGCAACCTCACCT).
Protein change: p.Tyr168_Thr172del.
Molecular consequence: inframe deletion.
Genome position (GRCh38, 1-based): chr19:1,398,969-1,398,983, AGGTGAGGTTGCAGT deleted on the plus strand (ACTGCAACCTCACCT on the coding strand, the reverse complement: GAMT is on the minus strand); deleting any 15 consecutive bases within chr19:1,398,969-1,398,991 gives the same sequence; the c. name uses the placement nearest the transcript's 3' end. VCF-style (leftmost placement, unchanged base first): chr19-1398968-GAGGTGAGGTTGCAGT-G. GRCh37 (hg19) VCF-style: chr19-1398967-GAGGTGAGGTTGCAGT-G.
Other names: c.503_517del, p.Tyr168_Thr172del (NM_138924.3).
Identifiers: ClinVar variation 2743645 (VCV002743645.3), dbSNP rs2512224264, ClinGen allele CA2697555584.